The following is an entry in ClinVar:

NM_000138.5(FBN1):c.5311dup (p.Arg1771fs)

Gene: FBN1 (fibrillin 1; minus strand). Cytogenetic location: 15q21.1.
Variant type: Duplication.
Coding change: c.5311dup on transcript NM_000138.5 (MANE Select); coding-DNA position 5311, one base duplicated (C; older notation c.5311dupC).
Protein change: p.Arg1771fs; shifts the reading frame from arginine 1771.
Molecular consequence: frameshift variant.
Genome position (GRCh38, 1-based): chr15:48,456,748, G duplicated on the plus strand (C on the coding strand, the reverse complement: FBN1 is on the minus strand); the first of 2 consecutive G bases (chr15:48,456,748-48,456,749); duplicating either gives the same sequence. VCF-style (leftmost placement, unchanged base first): chr15-48456747-C-CG. GRCh37 (hg19) VCF-style: chr15-48748944-C-CG.
Other names: c.5311dupC (NM_000138.4); short protein forms R1771fs.
Identifiers: ClinVar variation 641406 (VCV000641406.8), dbSNP rs1597540923, ClinGen allele CA915945988.

ClinVar aggregate classification (germline): Pathogenic (1 of 4 stars; one submission).

Conditions:
Familial thoracic aortic aneurysm and aortic dissection (TAAD). Also called: Thoracic aortic aneurysms and dissections. Identifiers: Orphanet 91387, MedGen C4707243, MONDO:0019625.
Marfan syndrome (MFS). Also called: FBN1-Related Marfan Syndrome; Marfan syndrome type 1; Marfan's syndrome; Marfan syndrome, classic; MARFAN SYNDROME, TYPE I. Identifiers: Orphanet 284963, Orphanet 558, MedGen C0024796, MONDO:0007947, OMIM 154700.

Submission:

Labcorp Genetics (formerly Invitae), Labcorp
Classification: Pathogenic for Marfan syndrome; Familial thoracic aortic aneurysm and aortic dissection. Last evaluated: 2018-09-20. Review status: criteria provided, single submitter. Criteria: Invitae Variant Classification Sherloc (09022015). Collection method: clinical testing. Allele origin: germline.
Comment: This variant has not been reported in the literature in individuals with FBN1-related disease. For these reasons, this variant has been classified as Pathogenic. Loss-of-function variants in FBN1 are known to be pathogenic (PMID: 17657824, 19293843). This variant is not present in population databases (ExAC no frequency). This sequence change creates a premature translational stop signal (p.Arg1771Profs*8) in the FBN1 gene. It is expected to result in an absent or disrupted protein product.

Literature cited by the submitters: PubMed 17657824; PubMed 19293843.